The following is an entry in ClinVar:

ClinVar aggregate classification (germline): Likely pathogenic (1 of 4 stars; one submission).

gnomAD v4.1: 1 of 1,602,254 alleles (0.000062%); highest among the groups gnomAD compares: Admixed American, 0.0017%; no homozygotes.

Submission:

GeneDx
Classification: Likely pathogenic. Last evaluated: 2026-08-04. Review status: criteria provided, single submitter. Criteria: GeneDx Variant Classification Process June 2021. Collection method: clinical testing. Allele origin: germline.
Comment: Alters the last nucleotide of the exon and is predicted to destroy the splice donor site and result in aberrant splicing, although in the absence of functional evidence the actual effect of this sequence change is unknown; Not observed at significant frequency in large population cohorts (gnomAD); Has not been previously published as pathogenic or benign to our knowledge

NM_017841.4(SDHAF2):c.370G>C (p.Glu124Gln)

Gene: SDHAF2 (succinate dehydrogenase complex assembly factor 2; plus strand). Cytogenetic location: 11q12.2.
Variant type: single nucleotide variant.
Coding change: c.370G>C on transcript NM_017841.4 (MANE Select); coding-DNA position 370, G replaced by C.
Protein change: p.Glu124Gln; replaces glutamic acid 124 with glutamine.
Molecular consequence: missense variant.
Genome position (GRCh38, 1-based): chr11:61,438,113, G>C. VCF-style: chr11-61438113-G-C. GRCh37 (hg19) VCF-style: chr11-61205585-G-C.
Other names: short protein forms E124Q.
Identifiers: ClinVar variation 4083180 (VCV004083180.2).